The following is an entry in ClinVar:

NM_000359.3(TGM1):c.892del (p.Leu298fs)

Gene: TGM1 (transglutaminase 1; minus strand). Cytogenetic location: 14q12.
Variant type: Deletion.
Coding change: c.892del on transcript NM_000359.3 (MANE Select); coding-DNA position 892, one base deleted (C; older notation c.892delC).
Protein change: p.Leu298fs; shifts the reading frame from leucine 298.
Molecular consequence: frameshift variant.
Genome position (GRCh38, 1-based): chr14:24,259,796, G deleted on the plus strand (C on the coding strand, the reverse complement: TGM1 is on the minus strand). VCF-style (leftmost placement, unchanged base first): chr14-24259795-AG-A. GRCh37 (hg19) VCF-style: chr14-24729001-AG-A.
Other names: short protein forms L298fs.
Identifiers: ClinVar variation 952476 (VCV000952476.7), dbSNP rs2040791482, ClinGen allele CA1139663419.

ClinVar aggregate classification (germline): Pathogenic (1 of 4 stars; one submission).

Submission:

Labcorp Genetics (formerly Invitae), Labcorp
Classification: Pathogenic. Last evaluated: 2019-07-01. Review status: criteria provided, single submitter. Criteria: Invitae Variant Classification Sherloc (09022015). Collection method: clinical testing. Allele origin: germline.
Comment: This variant is not present in population databases (ExAC no frequency). This sequence change creates a premature translational stop signal (p.Leu298Trpfs*32) in the TGM1 gene. It is expected to result in an absent or disrupted protein product. This variant has not been reported in the literature in individuals with TGM1-related conditions. Loss-of-function variants in TGM1 are known to be pathogenic (PMID: 9448282, 18948357, 19241467). For these reasons, this variant has been classified as Pathogenic.

Literature cited by the submitters: PubMed 9448282; PubMed 18948357; PubMed 19241467.